The following is an entry in ClinVar:

ClinVar aggregate classification (germline): Uncertain significance (1 of 4 stars; one submission).

Submission:

Ambry Genetics
Classification: Uncertain significance. Last evaluated: 2022-05-26. Review status: criteria provided, single submitter. Criteria: Ambry Variant Classification Scheme 2023. Collection method: clinical testing. Allele origin: germline.
Comment: The p.T2028I variant (also known as c.6083C>T), located in coding exon 10 of the ALPK2 gene, results from a C to T substitution at nucleotide position 6083. The threonine at codon 2028 is replaced by isoleucine, an amino acid with similar properties. This amino acid position is conserved. In addition, the in silico prediction for this alteration is inconclusive. Since supporting evidence is limited at this time, the clinical significance of this alteration remains unclear.

NM_052947.4(ALPK2):c.6083C>T (p.Thr2028Ile)

Gene: ALPK2 (alpha kinase 2; minus strand). Cytogenetic location: 18q21.31.
Variant type: single nucleotide variant.
Coding change: c.6083C>T on transcript NM_052947.4 (MANE Select); coding-DNA position 6083, C replaced by T.
Protein change: p.Thr2028Ile; replaces threonine 2028 with isoleucine.
Molecular consequence: missense variant.
Genome position (GRCh38, 1-based): chr18:58,504,095, G>A on the plus strand (C>T on the coding strand, the complement: ALPK2 is on the minus strand). VCF-style: chr18-58504095-G-A. GRCh37 (hg19) VCF-style: chr18-56171327-G-A.
Other names: short protein forms T2028I.
Identifiers: ClinVar variation 1751462 (VCV001751462.2), dbSNP rs2518855039, ClinGen allele CA402544429.